The following is an entry in ClinVar:

NM_025193.4(HSD3B7):c.132A>G (p.Gln44=)

Gene: HSD3B7 (hydroxy-delta-5-steroid dehydrogenase, 3 beta- and steroid delta-isomerase 7; plus strand). Cytogenetic location: 16p11.2.
Variant type: single nucleotide variant.
Coding change: c.132A>G on transcript NM_025193.4 (MANE Select); coding-DNA position 132, A replaced by G.
Protein change: p.Gln44=; no amino-acid change (glutamine 44 retained).
Molecular consequence: synonymous variant.
Genome position (GRCh38, 1-based): chr16:30,985,790, A>G. VCF-style: chr16-30985790-A-G. GRCh37 (hg19) VCF-style: chr16-30997111-A-G.
Other names: c.132A>G, p.Gln44= (NM_001142777.2, NM_001142778.2).
Identifiers: ClinVar variation 4999169 (VCV004999169.1).

ClinVar aggregate classification (germline): Likely benign (1 of 4 stars; one submission).

Conditions:
HSD3B7-related disorder. Also called: HSD3B7-related condition.

Submission:

PreventionGenetics, part of Exact Sciences
Classification: Likely benign for HSD3B7-related condition. Last evaluated: 2025-06-04. Review status: criteria provided, single submitter. Criteria: ACMG Guidelines, 2015. Collection method: clinical testing. Allele origin: germline.
Comment: This variant is classified as likely benign based on ACMG/AMP sequence variant interpretation guidelines (Richards et al. 2015 PMID: 25741868, with internal and published modifications).